The following is an entry in ClinVar:

ClinVar aggregate classification (germline): Uncertain significance. Review status: criteria provided, multiple submitters, no conflicts (2 of 4 stars). 2 submissions from 2 submitters: Uncertain significance (2). Last evaluated 2022-08-05.

Conditions:
Inborn genetic diseases. Identifiers: MedGen C0950123, MeSH D030342.

Allele frequency attached by ClinVar (database versions not stated): ExAC 0.00005; ESP Exome Variant Server 0.00024; gnomAD 0.00025; TOPMed 0.00027.
gnomAD v4.1: 78 of 1,614,000 alleles (0.0048%); highest among the groups gnomAD compares: African/African-American, 0.067%; no homozygotes.

Submissions (2):

Labcorp Genetics (formerly Invitae), Labcorp
Classification: Uncertain significance. Last evaluated: 2022-08-05. Review status: criteria provided, single submitter. Criteria: Invitae Variant Classification Sherloc (09022015). Collection method: clinical testing. Allele origin: germline.
Comment: This sequence change replaces threonine, which is neutral and polar, with isoleucine, which is neutral and non-polar, at codon 1096 of the SPEG protein (p.Thr1096Ile). This variant is present in population databases (rs376059193, gnomAD 0.04%). This variant has not been reported in the literature in individuals affected with SPEG-related conditions. Algorithms developed to predict the effect of missense changes on protein structure and function are either unavailable or do not agree on the potential impact of this missense change (SIFT: "Deleterious"; PolyPhen-2: "Benign"; Align-GVGD: "Class C0"). In summary, the available evidence is currently insufficient to determine the role of this variant in disease. Therefore, it has been classified as a Variant of Uncertain Significance.

Ambry Genetics
Classification: Uncertain significance for Inborn genetic diseases. Last evaluated: 2021-07-14. Review status: criteria provided, single submitter. Criteria: Ambry Variant Classification Scheme 2023. Collection method: clinical testing. Allele origin: germline.

NM_005876.5(SPEG):c.3287C>T (p.Thr1096Ile)

Gene: SPEG (striated muscle enriched protein kinase; plus strand). Cytogenetic location: 2q35.
Variant type: single nucleotide variant.
Coding change: c.3287C>T on transcript NM_005876.5 (MANE Select); coding-DNA position 3287, C replaced by T.
Protein change: p.Thr1096Ile; replaces threonine 1096 with isoleucine.
Molecular consequence: missense variant.
Genome position (GRCh38, 1-based): chr2:219,468,722, C>T. VCF-style: chr2-219468722-C-T. GRCh37 (hg19) VCF-style: chr2-220333444-C-T.
Other names: c.3287C>T (NM_005876.4); short protein forms T1096I.
Identifiers: ClinVar variation 2192450 (VCV002192450.2), dbSNP rs376059193, ClinGen allele CA2126115.
Genomic context (GRCh38, chr2:219,468,722, plus strand): 5'-TGGAGGGCCGAGCTGCCCGTTTCGACTGCAAGATCAGTGGCACCCCGCCCCCTGTTGTTA[C>T]CTGGACTCATTTTGGTACGGCCCCTGTGCTGCAGGTGTTGAGGGCCCCCCCAAGGGCCCA-3'
Protein context (NP_005867.3, residues 1086-1106): KISGTPPPVV[Thr1096Ile]WTHFGCPMEE